The following is an entry in ClinVar:

ClinVar aggregate classification (germline): Uncertain significance (1 of 4 stars; one submission).

Conditions:
Inborn genetic diseases. Identifiers: MedGen C0950123, MeSH D030342.

Submission:

Ambry Genetics
Classification: Uncertain significance for Inborn genetic diseases. Last evaluated: 2025-04-22. Review status: criteria provided, single submitter. Criteria: Ambry Variant Classification Scheme 2023. Collection method: clinical testing. Allele origin: germline.
Comment: The p.G178E variant (also known as c.533G>A), located in coding exon 5 of the BUB1B gene, results from a G to A substitution at nucleotide position 533. The glycine at codon 178 is replaced by glutamic acid, an amino acid with similar properties. This amino acid position is conserved. In addition, this alteration is predicted to be deleterious by in silico analysis. Based on the available evidence, the clinical significance of this variant remains unclear.

NM_001211.6(BUB1B):c.533G>A (p.Gly178Glu)

Gene: BUB1B (BUB1 mitotic checkpoint serine/threonine kinase B; plus strand). Cytogenetic location: 15q15.1.
Variant type: single nucleotide variant.
Coding change: c.533G>A on transcript NM_001211.6 (MANE Select); coding-DNA position 533, G replaced by A.
Protein change: p.Gly178Glu; replaces glycine 178 with glutamic acid.
Molecular consequence: missense variant.
Genome position (GRCh38, 1-based): chr15:40,176,625, G>A. VCF-style: chr15-40176625-G-A. GRCh37 (hg19) VCF-style: chr15-40468826-G-A.
Other names: short protein forms G178E.
Identifiers: ClinVar variation 3993710 (VCV003993710.1).
Genomic context (GRCh38, chr15:40,176,625, plus strand): 5'-GGGCAGAAGAATATGAAGCTAGAGAAAACTTTAGGAAAGCAGATGCGATATTTCAGGAAG[G>A]GATTCAACAGAAGGCTGAACCACTAGAAAGACTACAGTCCCAGCACCGGTAAACTTTCTT-3'
Protein context (NP_001202.5, residues 168-188): FRKADAIFQE[Gly178Glu]IQQKAEPLER